The following is an entry in ClinVar:

NM_025207.5(FLAD1):c.1054_1075del (p.Val352fs)

Gene: FLAD1 (flavin adenine dinucleotide synthetase 1; plus strand). Cytogenetic location: 1q21.3.
Variant type: Deletion.
Coding change: c.1054_1075del on transcript NM_025207.5 (MANE Select); coding-DNA positions 1054 to 1075, 22 bases deleted (GTCCCCTACATGCCCAACGCTG).
Protein change: p.Val352fs; shifts the reading frame from valine 352.
Molecular consequence: frameshift variant.
Genome position (GRCh38, 1-based): chr1:154,988,786-154,988,807, GTCCCCTACATGCCCAACGCTG deleted; deleting any 22 consecutive bases within chr1:154,988,781-154,988,807 gives the same sequence; the c. name uses the placement nearest the transcript's 3' end. VCF-style (leftmost placement, unchanged base first): chr1-154988780-TCGCTGGTCCCCTACATGCCCAA-T. GRCh37 (hg19) VCF-style: chr1-154961256-TCGCTGGTCCCCTACATGCCCAA-T.
Other names: c.1054_1075del22 (NM_025207.4); c.763_784del, p.Val255fs (NM_001184891.2, NM_201398.3); c.757_778del, p.Val253fs (NM_001184892.2); short protein forms V352fs, V253fs, V255fs.
Identifiers: ClinVar variation 817479 (VCV000817479.2), dbSNP rs1170313629, ClinGen allele CA526666747.

ClinVar aggregate classification (germline): Likely pathogenic (1 of 4 stars; one submission).

Submission:

GeneDx
Classification: Likely pathogenic. Last evaluated: 2020-05-20. Review status: criteria provided, single submitter. Criteria: GeneDx Variant Classification Process June 2021. Collection method: clinical testing. Allele origin: germline. Affected: yes.
Comment: Frameshift variant predicted to result in protein truncation or nonsense mediated decay in a gene for which loss-of-function is a known mechanism of disease; Not observed at a significant frequency in large population cohorts (Lek et al., 2016); Has not been previously published as pathogenic or benign to our knowledge